The following is an entry in ClinVar:

NM_014625.4(NPHS2):c.31dup (p.Glu11fs)

Gene: NPHS2 (NPHS2 stomatin family member, podocin; minus strand). Cytogenetic location: 1q25.2.
Variant type: Duplication.
Coding change: c.31dup on transcript NM_014625.4 (MANE Select); coding-DNA position 31, one base duplicated (G; older notation c.31dupG).
Protein change: p.Glu11fs; shifts the reading frame from glutamic acid 11.
Molecular consequence: frameshift variant.
Genome position (GRCh38, 1-based): chr1:179,575,834, C duplicated on the plus strand (G on the coding strand, the reverse complement: NPHS2 is on the minus strand); the first of 3 consecutive C bases (chr1:179,575,834-179,575,836); duplicating any one gives the same sequence. VCF-style (leftmost placement, unchanged base first): chr1-179575833-T-TC. GRCh37 (hg19) VCF-style: chr1-179544968-T-TC.
Other names: c.31dup, p.Glu11fs (NM_001297575.2); short protein forms E11fs.
Identifiers: ClinVar variation 3236220 (VCV003236220.1), dbSNP rs2526380602, ClinGen allele CA2825000873.

ClinVar aggregate classification (germline): Likely pathogenic (1 of 4 stars; one submission).

Conditions:
Nephrotic syndrome, type 2 (NPHS2). Also called: NEPHROTIC SYNDROME, STEROID-RESISTANT, AUTOSOMAL RECESSIVE. Identifiers: Orphanet 656, MedGen C1868672, MONDO:0010974, OMIM 600995.

Submission:

MVZ Medizinische Genetik Mainz
Classification: Likely pathogenic for Nephrotic syndrome, type 2. Last evaluated: 2021-11-24. Review status: criteria provided, single submitter. Criteria: UK Practice Guidelines For Variant Classification V4 01 2020. Collection method: clinical testing. Allele origin: germline. Inheritance: Autosomal recessive inheritance. Affected: yes. Observed: 1 variant allele.
Comment: ACMG Criteria: PVS1, PM2_SUP (ACMG Version 3)